The following is an entry in ClinVar:

NM_002693.3(POLG):c.2452A>G (p.Arg818Gly)

Gene: POLG (DNA polymerase gamma, catalytic subunit; minus strand). Cytogenetic location: 15q26.1.
Variant type: single nucleotide variant.
Coding change: c.2452A>G on transcript NM_002693.3 (MANE Select); coding-DNA position 2452, A replaced by G.
Protein change: p.Arg818Gly; replaces arginine 818 with glycine.
Molecular consequence: missense variant.
Genome position (GRCh38, 1-based): chr15:89,321,990, T>C on the plus strand (A>G on the coding strand, the complement: POLG is on the minus strand). VCF-style: chr15-89321990-T-C. GRCh37 (hg19) VCF-style: chr15-89865221-T-C.
Other names: c.2452A>G, p.Arg818Gly (NM_001126131.2); short protein forms R818G.
Identifiers: ClinVar variation 2810204 (VCV002810204.3), dbSNP rs749406673, ClinGen allele CA393754975.

ClinVar aggregate classification (germline): Uncertain significance (1 of 4 stars; one submission).

Conditions:
Progressive sclerosing poliodystrophy (MTDPS4A). Also called: ALPERS PROGRESSIVE INFANTILE POLIODYSTROPHY; NEURONAL DEGENERATION OF CHILDHOOD WITH LIVER DISEASE, PROGRESSIVE; Alpers Syndrome; ALPERS DIFFUSE DEGENERATION OF CEREBRAL GRAY MATTER WITH HEPATIC CIRRHOSIS; Alpers-Huttenlocher Syndrome; Mitochondrial DNA Depletion Syndrome 4A. Identifiers: Orphanet 726, MedGen C0205710, MONDO:0008758, OMIM 203700.

gnomAD v4.1: 1 of 1,614,174 alleles (0.000062%); highest among the groups gnomAD compares: Non-Finnish European, 0.000085%; no homozygotes.

Submission:

Labcorp Genetics (formerly Invitae), Labcorp
Classification: Uncertain significance for Progressive sclerosing poliodystrophy. Last evaluated: 2022-10-27. Review status: criteria provided, single submitter. Criteria: Invitae Variant Classification Sherloc (09022015). Collection method: clinical testing. Allele origin: germline.
Comment: This variant has not been reported in the literature in individuals affected with POLG-related conditions. This variant is not present in population databases (gnomAD no frequency). This sequence change replaces arginine, which is basic and polar, with glycine, which is neutral and non-polar, at codon 818 of the POLG protein (p.Arg818Gly). In summary, the available evidence is currently insufficient to determine the role of this variant in disease. Therefore, it has been classified as a Variant of Uncertain Significance. Advanced modeling of protein sequence and biophysical properties (such as structural, functional, and spatial information, amino acid conservation, physicochemical variation, residue mobility, and thermodynamic stability) performed at Invitae indicates that this missense variant is not expected to disrupt POLG protein function.